The following is an entry in ClinVar:

ClinVar aggregate classification (germline): Pathogenic/Likely pathogenic. Review status: criteria provided, multiple submitters, no conflicts (2 of 4 stars). 2 submissions from 2 submitters: Pathogenic (1); Likely pathogenic (1). Last evaluated 2024-02-18.

Conditions:
Hepatoencephalopathy due to combined oxidative phosphorylation defect type 1. Also called: HEPATOENCEPHALOPATHY, EARLY FATAL PROGRESSIVE. Identifiers: Orphanet 137681, MedGen C1836797, MONDO:0012191, OMIM 609060.

Submissions (2):

Fulgent Genetics
Classification: Likely pathogenic for Hepatoencephalopathy due to combined oxidative phosphorylation defect type 1. Last evaluated: 2024-02-18. Review status: criteria provided, single submitter. Criteria: ACMG Guidelines, 2015. Collection method: clinical testing. Allele origin: germline.

Labcorp Genetics (formerly Invitae), Labcorp
Classification: Pathogenic. Last evaluated: 2021-12-23. Review status: criteria provided, single submitter. Criteria: Invitae Variant Classification Sherloc (09022015). Collection method: clinical testing. Allele origin: germline.
Comment: This variant is not present in population databases (gnomAD no frequency). This sequence change creates a premature translational stop signal (p.Leu611Profs*10) in the GFM1 gene. It is expected to result in an absent or disrupted protein product. Loss-of-function variants in GFM1 are known to be pathogenic (PMID: 16632485, 17160893). This variant has not been reported in the literature in individuals affected with GFM1-related conditions. For these reasons, this variant has been classified as Pathogenic.

Literature cited by the submitters: PubMed 16632485 (cited by Labcorp Genetics (formerly Invitae), Labcorp); PubMed 17160893 (cited by Labcorp Genetics (formerly Invitae), Labcorp).

NM_024996.7(GFM1):c.1831dup (p.Leu611fs)

Gene: GFM1 (G elongation factor mitochondrial 1; plus strand). Cytogenetic location: 3q25.32.
Variant type: Duplication.
Coding change: c.1831dup on transcript NM_024996.7 (MANE Select); coding-DNA position 1831, one base duplicated (C; older notation c.1831dupC).
Protein change: p.Leu611fs; shifts the reading frame from leucine 611.
Molecular consequence: frameshift variant. On other transcripts: non-coding transcript variant (2).
Genome position (GRCh38, 1-based): chr3:158,684,590, C duplicated; the last of 2 consecutive C bases (chr3:158,684,589-158,684,590); duplicating either gives the same sequence. VCF-style (leftmost placement, unchanged base first): chr3-158684588-T-TC. GRCh37 (hg19) VCF-style: chr3-158402377-T-TC.
Other names: c.1888dup, p.Leu630fs (NM_001308164.2); c.1750dup, p.Leu584fs (NM_001374355.1); c.1714dup, p.Leu572fs (NM_001374356.1); c.1606dup, p.Leu536fs (NM_001374357.1); c.1372dup, p.Leu458fs (NM_001374358.1); c.1264dup, p.Leu422fs (NM_001374359.1, NM_001374360.1); c.1147dup, p.Leu383fs (NM_001374361.1); short protein forms L383fs, L458fs, L536fs, L611fs, L630fs, L422fs, L584fs, L572fs.
Identifiers: ClinVar variation 2055507 (VCV002055507.5), dbSNP rs1281034886, ClinGen allele CA901402290.
Genomic context (GRCh38, chr3:158,684,588, plus strand): 5'-TTTTAGATGCCTGCGAGAAGGGCCCTCTTTCTGGTCACAAGCTCTCTGGGCTCCGGTTTG[T>TC]CCTGCAAGATGGAGCACACCACATGGTTGATTCTAATGAAATCTCTTTCATCCGAGCAGG-3'